The following is an entry in ClinVar:

NM_001145809.2(MYH14):c.4856C>G (p.Ala1619Gly)

Gene: MYH14 (myosin heavy chain 14; plus strand). Cytogenetic location: 19q13.33.
Variant type: single nucleotide variant.
Coding change: c.4856C>G on transcript NM_001145809.2 (MANE Select); coding-DNA position 4856, C replaced by G.
Protein change: p.Ala1619Gly; replaces alanine 1619 with glycine.
Molecular consequence: missense variant.
Genome position (GRCh38, 1-based): chr19:50,289,539, C>G. VCF-style: chr19-50289539-C-G. GRCh37 (hg19) VCF-style: chr19-50792796-C-G.
Other names: c.4757C>G, p.Ala1586Gly (NM_001077186.2); c.4733C>G, p.Ala1578Gly (NM_024729.4); short protein forms A1578G, A1586G, A1619G.
Identifiers: ClinVar variation 2507106 (VCV002507106.2), dbSNP rs1439811976, ClinGen allele CA406960533.

ClinVar aggregate classification (germline): Uncertain significance (1 of 4 stars; one submission).

Allele frequency attached by ClinVar (database versions not stated): gnomAD 0.00001; TOPMed 0.00001; gnomAD exomes 0.00002.
gnomAD v4.1: 13 of 1,612,908 alleles (0.00081%); highest among the groups gnomAD compares: East Asian, 0.027%; no homozygotes.

Submission:

GeneDx
Classification: Uncertain significance. Last evaluated: 2025-08-06. Review status: criteria provided, single submitter. Criteria: GeneDx Variant Classification Process June 2021. Collection method: clinical testing. Allele origin: germline. Affected: yes.
Comment: Not observed at significant frequency in large population cohorts (gnomAD); In silico analysis supports that this missense variant has a deleterious effect on protein structure/function; This variant is associated with the following publications: (PMID: 35864128, 34519870)